The following is an entry in ClinVar:

NM_000197.2(HSD17B3):c.150G>A (p.Trp50Ter)

Genes: HSD17B3 (hydroxysteroid 17-beta dehydrogenase 3; minus strand), SLC35D2-HSD17B3 (SLC35D2-HSD17B3 readthrough; minus strand). Cytogenetic location: 9q22.32.
Variant type: single nucleotide variant.
Coding change: c.150G>A on transcript NM_000197.2 (MANE Select); coding-DNA position 150, G replaced by A.
Protein change: p.Trp50Ter; replaces tryptophan 50 with a stop codon.
Molecular consequence: nonsense. On other transcripts: non-coding transcript variant (1).
Genome position (GRCh38, 1-based): chr9:96,301,955, C>T on the plus strand (G>A on the coding strand, the complement: HSD17B3 is on the minus strand). VCF-style: chr9-96301955-C-T. GRCh37 (hg19) VCF-style: chr9-99064237-C-T.
Other names: short protein forms W50*.
Identifiers: ClinVar variation 4294008 (VCV004294008.1).

ClinVar aggregate classification (germline): Pathogenic (1 of 4 stars; one submission).

Conditions:
Testosterone 17-beta-dehydrogenase deficiency. Also called: 17-beta hydroxysteroid dehydrogenase 3 deficiency; 46,XY disorder of sex development due to 17-beta-hydroxysteroid dehydrogenase 3 deficiency; Pseudohermaphroditism male with gynecomastia; 17 alpha ketosteroid reductase deficiency of testis; 17 alpha KSR deficiency; Neutral 17 beta hydroxysteroid oxidoreductase deficiency. Identifiers: Orphanet 752, MedGen C0268296, MONDO:0009916, OMIM 264300. Disease mechanism: loss of function.

gnomAD v4.1: 2 of 1,613,948 alleles (0.00012%); highest among the groups gnomAD compares: South Asian, 0.0011%; no homozygotes.

Submission:

3billion
Classification: Pathogenic for Testosterone 17-beta-dehydrogenase deficiency. Last evaluated: 2025-02-11. Review status: criteria provided, single submitter. Criteria: ACMG Guidelines, 2015. Collection method: clinical testing. Allele origin: germline. Affected: yes.
Comment: The variant is observed at an extremely low frequency in the gnomAD v4.1.0 dataset (total allele frequency: <0.001%). Predicted Consequence/Location: Stop-gained (nonsense): predicted to result in a loss or disruption of normal protein function through nonsense-mediated decay (NMD) or protein truncation. Multiple pathogenic variants are reported downstream of the variant. The variant has been reported to be associated with HSD17B3-related disorder (PMID: 23796702). Therefore, this variant is classified as Pathogenic according to the recommendation of ACMG/AMP guideline.

Literature cited by the submitters: PubMed 23796702.